The following is an entry in ClinVar:

NM_001228.5(CASP8):c.-26-8228T>C

Genes: CASP8 (caspase 8; plus strand), LOC128772255 (melanoma risk locus-associated MPRA allelic enhancer 2:202122995; plus strand). Cytogenetic location: 2q33.1.
Variant type: single nucleotide variant.
Coding change: c.-26-8228T>C on transcript NM_001228.5; 8228 bases into the intron before 26 bases upstream of the start codon, T replaced by C.
Molecular consequence: intron variant. On other transcripts: non-coding transcript variant (4), missense variant (3), initiator codon variant (3), 5 prime UTR variant (4).
Genome position (GRCh38, 1-based): chr2:201,258,233, T>C. VCF-style: chr2-201258233-T-C. GRCh37 (hg19) VCF-style: chr2-202122956-T-C.
Other names: c.-26-8228T>C (NM_001080124.2, NM_001400679.1, NM_001400651.1 and 2 more transcripts); c.1-8254T>C (NM_033355.4, NM_001400661.1, NM_001400657.1 and 1 more transcripts); c.-27+79T>C (NM_001400645.1, NM_001400656.1, NM_001400658.1 and 1 more transcripts); c.-559+79T>C (NM_001400678.1); c.-1+79T>C (NM_001400654.1); c.-532-8254T>C (NM_001400677.1); c.-4-13283T>C (NM_001400669.1); c.-637-8228T>C (NM_001400680.1); and 3 more; short protein forms M1T.
Identifiers: ClinVar variation 402493 (VCV000402493.9), dbSNP rs3769824, ClinGen allele CA2053381.

ClinVar aggregate classification (germline): Benign. Review status: criteria provided, multiple submitters, no conflicts (2 of 4 stars). 3 submissions from 3 submitters: Benign (3). Last evaluated 2018-11-27.

Allele frequency attached by ClinVar (database versions not stated): ESP Exome Variant Server 0.03279; TOPMed 0.03504; 1000 Genomes Project 0.03454; gnomAD 0.03734; ExAC 0.04538; gnomAD exomes 0.04541 and 0.04898.
gnomAD v4.1: 71,407 of 1,607,054 alleles (4.4%); highest among the groups gnomAD compares: Admixed American, 10%; 2,036 homozygotes.

Submissions (3):

GeneDx
Classification: Benign. Last evaluated: 2018-11-27. Review status: criteria provided, single submitter. Criteria: GeneDx Variant Classification Process June 2021. Collection method: clinical testing. Allele origin: germline. Affected: yes.

Laboratory for Molecular Medicine, Mass General Brigham Personalized Medicine
Classification: Benign. Last evaluated: 2016-03-28. Review status: criteria provided, single submitter. Criteria: LMM Criteria. Collection method: clinical testing. Allele origin: germline.
Comment: Variant identified in a genome or exome case(s) and assessed due to predicted null impact of the variant or pathogenic assertions in the literature or databases. Disclaimer: This variant has not undergone full assessment. The following are preliminary notes: Frequency in ESP (all): 395/12046= 3.27%

Breakthrough Genomics
Classification: Benign. Review status: criteria provided, single submitter. Criteria: ACMG Guidelines, 2015. Collection method: not provided. Allele origin: germline. Inheritance: Autosomal recessive inheritance. Affected: yes.